The following is an entry in ClinVar:

NM_000059.4(BRCA2):c.5836T>G (p.Ser1946Ala)

Gene: BRCA2 (BRCA2 DNA repair associated; plus strand). Cytogenetic location: 13q13.1.
Variant type: single nucleotide variant.
Coding change: c.5836T>G on transcript NM_000059.4 (MANE Select); coding-DNA position 5836, T replaced by G.
Protein change: p.Ser1946Ala; replaces serine 1946 with alanine.
Molecular consequence: missense variant.
Genome position (GRCh38, 1-based): chr13:32,340,191, T>G. VCF-style: chr13-32340191-T-G. GRCh37 (hg19) VCF-style: chr13-32914328-T-G.
Other names: short protein forms S1946A.
Identifiers: ClinVar variation 848949 (VCV000848949.16), dbSNP rs80358811, ClinGen allele CA387787344.

ClinVar aggregate classification (germline): Conflicting classifications of pathogenicity. Review status: criteria provided, conflicting classifications (1 of 4 stars). 3 submissions from 3 submitters: Uncertain significance (1); Likely benign (2). Last evaluated 2025-01-09.

Conditions:
Hereditary breast ovarian cancer syndrome. Also called: Hereditary breast and ovarian cancer syndrome; Breast and ovarian cancer; Hereditary breast and/or ovarian cancer syndrome; Hereditary breast and ovarian cancer; BRCA1- and BRCA2-Associated Hereditary Breast and Ovarian Cancer; Hereditary breast and ovarian cancer syndrome (HBOC). Identifiers: Orphanet 145, MedGen C0677776, MeSH D061325, MONDO:0003582. Disease mechanism: loss of function.
Hereditary cancer-predisposing syndrome. Also called: Tumor predisposition; Neoplastic Syndromes, Hereditary; Hereditary neoplastic syndrome; Hereditary Cancer Syndrome. Identifiers: Orphanet 140162, MedGen C0027672, MeSH D009386, MONDO:0015356.

Submissions (3):

Ambry Genetics
Classification: Likely benign for Hereditary cancer-predisposing syndrome. Last evaluated: 2025-01-09. Review status: criteria provided, single submitter. Criteria: Ambry Variant Classification Scheme 2023. Collection method: clinical testing. Allele origin: germline.

University of Washington Department of Laboratory Medicine, University of Washington
Classification: Likely benign for Hereditary cancer-predisposing syndrome. Last evaluated: 2023-03-23. Review status: criteria provided, single submitter. Criteria: Dines et al. (Genet Med. 2020). Collection method: curation. Allele origin: germline.
Comment: Missense variant in a coldspot region where missense variants are very unlikely to be pathogenic (PMID:31911673).

BRCA2 exon 11 coldspot. Reclassification based on statistical prior probability.

Labcorp Genetics (formerly Invitae), Labcorp
Classification: Uncertain significance for Hereditary breast ovarian cancer syndrome. Last evaluated: 2022-08-10. Review status: criteria provided, single submitter. Criteria: Invitae Variant Classification Sherloc (09022015). Collection method: clinical testing. Allele origin: germline.
Comment: In summary, the available evidence is currently insufficient to determine the role of this variant in disease. Therefore, it has been classified as a Variant of Uncertain Significance. Advanced modeling of protein sequence and biophysical properties (such as structural, functional, and spatial information, amino acid conservation, physicochemical variation, residue mobility, and thermodynamic stability) performed at Invitae indicates that this missense variant is not expected to disrupt BRCA2 protein function. ClinVar contains an entry for this variant (Variation ID: 848949). This variant has not been reported in the literature in individuals affected with BRCA2-related conditions. This variant is not present in population databases (gnomAD no frequency). This sequence change replaces serine, which is neutral and polar, with alanine, which is neutral and non-polar, at codon 1946 of the BRCA2 protein (p.Ser1946Ala).